The following is an entry in ClinVar:

NM_001012614.2(CTBP1):c.764G>A (p.Arg255Gln)

Genes: CTBP1 (C-terminal binding protein 1; minus strand), CTBP1-AS (CTBP1 antisense RNA; plus strand). Cytogenetic location: 4p16.3.
Variant type: single nucleotide variant.
Coding change: c.764G>A on transcript NM_001012614.2 (MANE Select); coding-DNA position 764, G replaced by A.
Protein change: p.Arg255Gln; replaces arginine 255 with glutamine.
Molecular consequence: missense variant.
Genome position (GRCh38, 1-based): chr4:1,214,439, C>T on the plus strand (G>A on the coding strand, the complement: CTBP1 is on the minus strand). VCF-style: chr4-1214439-C-T. GRCh37 (hg19) VCF-style: chr4-1208227-C-T.
Other names: c.797G>A, p.Arg266Gln (NM_001328.3, NM_001377186.1); c.764G>A, p.Arg255Gln (NM_001377187.1, NM_001377188.1, NM_001377189.1 and 4 more transcripts); short protein forms R266Q, R255Q.
Identifiers: ClinVar variation 1977165 (VCV001977165.5), dbSNP rs1315137495, ClinGen allele CA355947058.

ClinVar aggregate classification (germline): Uncertain significance (1 of 4 stars; one submission).

Allele frequency attached by ClinVar (database versions not stated): gnomAD exomes below 0.00001; TOPMed below 0.00001.
gnomAD v4.1: 6 of 1,588,612 alleles (0.00038%); highest among the groups gnomAD compares: East Asian, 0.0023%; no homozygotes.

Submission:

Labcorp Genetics (formerly Invitae), Labcorp
Classification: Uncertain significance. Last evaluated: 2024-02-24. Review status: criteria provided, single submitter. Criteria: Invitae Variant Classification Sherloc (09022015). Collection method: clinical testing. Allele origin: germline.
Comment: This sequence change replaces arginine, which is basic and polar, with glutamine, which is neutral and polar, at codon 266 of the CTBP1 protein (p.Arg266Gln). This variant is not present in population databases (gnomAD no frequency). This variant has not been reported in the literature in individuals affected with CTBP1-related conditions. ClinVar contains an entry for this variant (Variation ID: 1977165). Advanced modeling of protein sequence and biophysical properties (such as structural, functional, and spatial information, amino acid conservation, physicochemical variation, residue mobility, and thermodynamic stability) performed at Invitae indicates that this missense variant is not expected to disrupt CTBP1 protein function with a negative predictive value of 80%. In summary, the available evidence is currently insufficient to determine the role of this variant in disease. Therefore, it has been classified as a Variant of Uncertain Significance.